The following is an entry in ClinVar:

ClinVar aggregate classification (germline): Likely benign (0 of 4 stars; one submission).

Conditions:
PXDNL-related disorder. Also called: PXDNL-related condition.

Allele frequency attached by ClinVar (database versions not stated): gnomAD exomes 0.00004; gnomAD 0.00005; ExAC 0.00022; 1000 Genomes Project 30x 0.00031; 1000 Genomes Project 0.00040.
gnomAD v4.1: 71 of 1,610,206 alleles (0.0044%); highest among the groups gnomAD compares: East Asian, 0.14%; no homozygotes.

Submission:

PreventionGenetics, part of Exact Sciences
Classification: Likely benign for PXDNL-related condition. Last evaluated: 2022-03-01. Review status: no assertion criteria provided. Collection method: clinical testing. Allele origin: germline.
Comment: This variant is classified as likely benign based on ACMG/AMP sequence variant interpretation guidelines (Richards et al. 2015 PMID: 25741868, with internal and published modifications).

NM_144651.5(PXDNL):c.3915A>T (p.Arg1305Ser)

Gene: PXDNL (peroxidasin like; minus strand). Cytogenetic location: 8q11.22.
Variant type: single nucleotide variant.
Coding change: c.3915A>T on transcript NM_144651.5 (MANE Select); coding-DNA position 3915, A replaced by T.
Protein change: p.Arg1305Ser; replaces arginine 1305 with serine.
Molecular consequence: missense variant.
Genome position (GRCh38, 1-based): chr8:51,345,934, T>A on the plus strand (A>T on the coding strand, the complement: PXDNL is on the minus strand). VCF-style: chr8-51345934-T-A. GRCh37 (hg19) VCF-style: chr8-52258494-T-A.
Other names: short protein forms R1305S.
Identifiers: ClinVar variation 3055001 (VCV003055001.2), dbSNP rs147301930, ClinGen allele CA4744640.
Genomic context (GRCh38, chr8:51,345,934, plus strand): 5'-ATAGCTGTATTGAGCTGAGCGTTTCTTTTGAGACTCTTGCGTCACTGCTCTGAACTGTCC[T>A]CTACTCCTACAGTCTGTGGGGAAAGAAGTAACCACAATAGCATCATGTGAGATGCGATGT-3'
Protein context (NP_653252.4, residues 1295-1315): WQDCCADCRS[Arg1305Ser]GQFRAVTQES